The following is an entry in ClinVar:

ClinVar aggregate classification (germline): Uncertain significance (1 of 4 stars; one submission).

Conditions:
Cardiomyopathy (CMYO). Also called: Cardiomyopathies. Identifiers: Orphanet 167848, MedGen C0878544, MONDO:0004994, HP:0001638. Inheritance: Various modes of inheritance.

Submission:

Color Diagnostics, LLC DBA Color Health
Classification: Uncertain significance for Cardiomyopathy. Last evaluated: 2025-07-21. Review status: criteria provided, single submitter. Criteria: ACMG Guidelines, 2015. Collection method: clinical testing. Allele origin: germline.
Comment: This missense variant replaces valine with alanine at codon 2451 of the RYR2 protein. Computational prediction suggests that this variant may have deleterious impact on protein structure and function. To our knowledge, functional studies have not been reported for this variant. This variant has not been reported in individuals affected with RYR2-related disorders in the literature. This variant has not been identified in the general population by the Genome Aggregation Database (gnomAD). The available evidence is insufficient to determine the role of this variant in disease conclusively. Therefore, this variant is classified as a Variant of Uncertain Significance.

NM_001035.3(RYR2):c.7352T>C (p.Val2451Ala)

Gene: RYR2 (ryanodine receptor 2; plus strand). Cytogenetic location: 1q43.
Variant type: single nucleotide variant.
Coding change: c.7352T>C on transcript NM_001035.3 (MANE Select); coding-DNA position 7352, T replaced by C.
Protein change: p.Val2451Ala; replaces valine 2451 with alanine.
Molecular consequence: missense variant.
Genome position (GRCh38, 1-based): chr1:237,648,453, T>C. VCF-style: chr1-237648453-T-C. GRCh37 (hg19) VCF-style: chr1-237811753-T-C.
Other names: short protein forms V2451A.
Identifiers: ClinVar variation 4759087 (VCV004759087.1).